The following is an entry in ClinVar:

NM_014847.4(UBAP2L):c.889A>G (p.Asn297Asp)

Gene: UBAP2L (ubiquitin associated protein 2 like; plus strand). Cytogenetic location: 1q21.3.
Variant type: single nucleotide variant.
Coding change: c.889A>G on transcript NM_014847.4 (MANE Select); coding-DNA position 889, A replaced by G.
Protein change: p.Asn297Asp; replaces asparagine 297 with aspartic acid.
Molecular consequence: missense variant.
Genome position (GRCh38, 1-based): chr1:154,246,250, A>G. VCF-style: chr1-154246250-A-G. GRCh37 (hg19) VCF-style: chr1-154218726-A-G.
Other names: c.889A>G, p.Asn297Asp (NM_001127320.3, NM_001375614.1, NM_001375615.1 and 14 more transcripts); c.868A>G, p.Asn290Asp (NM_001287815.1); c.922A>G, p.Asn308Asp (NM_001287816.1, NM_001330730.1, NM_001375612.1 and 2 more transcripts); short protein forms N308D, N297D, N290D.
Identifiers: ClinVar variation 3781158 (VCV003781158.2).

ClinVar aggregate classification (germline): Uncertain significance (1 of 4 stars; one submission).

Submission:

GeneDx
Classification: Uncertain significance. Last evaluated: 2025-06-05. Review status: criteria provided, single submitter. Criteria: GeneDx Variant Classification Process June 2021. Collection method: clinical testing. Allele origin: germline. Affected: yes.
Comment: Not observed at significant frequency in large population cohorts (gnomAD); In silico analysis indicates that this missense variant does not alter protein structure/function; Has not been previously published as pathogenic or benign to our knowledge